The following is an entry in ClinVar:

ClinVar aggregate classification (germline): Uncertain significance (1 of 4 stars; one submission).

Conditions:
Inborn genetic diseases. Identifiers: MedGen C0950123, MeSH D030342.

gnomAD v4.1: 1 of 1,614,044 alleles (0.000062%); highest among the groups gnomAD compares: Non-Finnish European, 0.000085%; no homozygotes.

Submission:

Ambry Genetics
Classification: Uncertain significance for Inborn genetic diseases. Last evaluated: 2026-03-09. Review status: criteria provided, single submitter. Criteria: Ambry Variant Classification Scheme 2023. Collection method: clinical testing. Allele origin: germline.
Comment: The p.A225T variant (also known as c.673G>A), located in coding exon 5 of the MECOM gene, results from a G to A substitution at nucleotide position 673. The alanine at codon 225 is replaced by threonine, an amino acid with similar properties. This amino acid position is conserved. In addition, this alteration is predicted to be tolerated by in silico analysis. Based on the available evidence, the clinical significance of this variant remains unclear.

NM_004991.4(MECOM):c.673G>A (p.Ala225Thr)

Gene: MECOM (MDS1 and EVI1 complex locus; minus strand). Cytogenetic location: 3q26.2.
Variant type: single nucleotide variant.
Coding change: c.673G>A on transcript NM_004991.4 (MANE Select); coding-DNA position 673, G replaced by A.
Protein change: p.Ala225Thr; replaces alanine 225 with threonine.
Molecular consequence: missense variant.
Genome position (GRCh38, 1-based): chr3:169,128,001, C>T on the plus strand (G>A on the coding strand, the complement: MECOM is on the minus strand). VCF-style: chr3-169128001-C-T. GRCh37 (hg19) VCF-style: chr3-168845789-C-T.
Other names: c.109G>A, p.Ala37Thr (NM_001164000.2, NM_001205194.2, NM_001366467.2 and 9 more transcripts); c.673G>A, p.Ala225Thr (NM_001366466.2, NM_001366473.2); c.301G>A, p.Ala101Thr (NM_001105077.4); short protein forms A37T, A101T, A225T.
Identifiers: ClinVar variation 4826723 (VCV004826723.1).